The following is an entry in ClinVar:

NM_003482.4(KMT2D):c.6628C>T (p.Pro2210Ser)

Gene: KMT2D (lysine methyltransferase 2D; minus strand). Cytogenetic location: 12q13.12.
Variant type: single nucleotide variant.
Coding change: c.6628C>T on transcript NM_003482.4 (MANE Select); coding-DNA position 6628, C replaced by T.
Protein change: p.Pro2210Ser; replaces proline 2210 with serine.
Molecular consequence: missense variant.
Genome position (GRCh38, 1-based): chr12:49,041,142, G>A on the plus strand (C>T on the coding strand, the complement: KMT2D is on the minus strand). VCF-style: chr12-49041142-G-A. GRCh37 (hg19) VCF-style: chr12-49434925-G-A.
Other names: short protein forms P2210S.
Identifiers: ClinVar variation 1341850 (VCV001341850.5), dbSNP rs1324674144, ClinGen allele CA384750245.
Genomic context (GRCh38, chr12:49,041,142, plus strand): 5'-GGGTAGTGTGGAATTCCCCTGGCTGGCCAGCCCCAGGACGAGATGAGGCGCCCAGCATCG[G>A]GGGCTGCGCAGGGGCCCCCGTAGGACTAGGATAGGGGGGATAGGTGGGCGGTGCCGTGGG-3'
Protein context (NP_003473.3, residues 2200-2220): PSPTGAPAQP[Pro2210Ser]MLGASSRPGA

ClinVar aggregate classification (germline): Conflicting classifications of pathogenicity. Review status: criteria provided, conflicting classifications (1 of 4 stars). 4 submissions from 4 submitters: Uncertain significance (1); Benign (1); Likely benign (2). Last evaluated 2026-04-20.

Conditions:
Inborn genetic diseases. Identifiers: MedGen C0950123, MeSH D030342.
KMT2D-related disorder. Also called: KMT2D-Related Disorders.
Kabuki syndrome 1 (KABUK1). Also called: KMT2D-Related Kabuki Syndrome. Identifiers: Orphanet 2322, MedGen CN030661, MONDO:0007843, OMIM 147920.
Kabuki syndrome. Also called: NIIKAWA-KUROKI SYNDROME; Kabuki make-up syndrome. Identifiers: Orphanet 2322, MedGen C0796004, MONDO:0016512.

Allele frequency attached by ClinVar (database versions not stated): gnomAD exomes 0.00001; gnomAD 0.00003 and 0.00004; TOPMed 0.00003.

Submissions (4):

PreventionGenetics, part of Exact Sciences
Classification: Likely benign for KMT2D-related condition. Last evaluated: 2026-04-20. Review status: criteria provided, single submitter. Criteria: ACMG Guidelines, 2015. Collection method: clinical testing. Allele origin: germline.
Comment: This variant is classified as likely benign based on ACMG/AMP sequence variant interpretation guidelines (Richards et al. 2015 PMID: 25741868, with internal and published modifications).

Ambry Genetics
Classification: Likely benign for Inborn genetic diseases. Last evaluated: 2025-07-02. Review status: criteria provided, single submitter. Criteria: Ambry Variant Classification Scheme 2023. Collection method: clinical testing. Allele origin: germline.

Labcorp Genetics (formerly Invitae), Labcorp
Classification: Benign for Kabuki syndrome. Last evaluated: 2024-06-21. Review status: criteria provided, single submitter. Criteria: Invitae Variant Classification Sherloc (09022015). Collection method: clinical testing. Allele origin: germline.

New York Genome Center
Classification: Uncertain significance for Kabuki syndrome 1. Last evaluated: 2021-02-09. Review status: criteria provided, single submitter. Criteria: NYGC Assertion Criteria 2020. Collection method: clinical testing. Allele origin: inherited. Observed: 1 heterozygote. Study: CSER-NYCKidSeq.